The following is an entry in ClinVar:

ClinVar aggregate classification (germline): Conflicting classifications of pathogenicity. Review status: criteria provided, conflicting classifications (1 of 4 stars). 3 submissions from 3 submitters: Likely pathogenic (1); Uncertain significance (2). Last evaluated 2024-05-27.

Conditions:
Maple syrup urine disease type 1B (MSUD1B). Also called: MSUD type IB; MSUD type 3 (formerly); MSUD due to deficiency of e1-beta subunit of branched-chain alpha-keto acid dehydrogenase complex. Identifiers: MedGen C2930990, MONDO:0023692, OMIM 620698.

Submissions (3):

Fulgent Genetics
Classification: Likely pathogenic for Maple syrup urine disease type 1B. Last evaluated: 2024-05-27. Review status: criteria provided, single submitter. Criteria: ACMG Guidelines, 2015. Collection method: clinical testing. Allele origin: germline.

Women's Health and Genetics/Laboratory Corporation of America, LabCorp
Classification: Uncertain significance. Last evaluated: 2024-03-19. Review status: criteria provided, single submitter. Criteria: LabCorp Variant Classification Summary - May 2015. Collection method: clinical testing. Allele origin: germline.
Comment: Variant summary: BCKDHB c.498G>C (p.Lys166Asn) results in a non-conservative amino acid change located in the Transketolase-like, pyrimidine-binding domain (IPR005475) of the encoded protein sequence. Five of five in-silico tools predict a damaging effect of the variant on protein function. The variant was absent in 251404 control chromosomes (gnomAD). The available data on variant occurrences in the general population are insufficient to allow any conclusion about variant significance. c.498G>C has been reported in the literature in an individual affected with Maple Syrup Urine Disease who was compound heterozygous with a pathogenic variant (Scaini_2018). These data do not allow any conclusion about variant significance. To our knowledge, no experimental evidence demonstrating an impact on protein function has been reported. The following publications have been ascertained in the context of this evaluation (PMID: 29740775, 33131499). ClinVar contains an entry for this variant (Variation ID: 592981). Based on the evidence outlined above, the variant was classified as uncertain significance.

Eurofins Ntd Llc (ga)
Classification: Uncertain significance. Last evaluated: 2018-07-03. Review status: criteria provided, single submitter. Criteria: EGL ClinVar v180209 classification definitions. Collection method: clinical testing. Allele origin: germline. Observed: 2 variant alleles, 2 heterozygotes.

Literature cited by the submitters: PubMed 29740775 (cited by Women's Health and Genetics/Laboratory Corporation of America, LabCorp); PubMed 33131499 (cited by Women's Health and Genetics/Laboratory Corporation of America, LabCorp).

NM_183050.4(BCKDHB):c.498G>C (p.Lys166Asn)

Gene: BCKDHB (branched chain keto acid dehydrogenase E1 subunit beta; plus strand). Cytogenetic location: 6q14.1.
Variant type: single nucleotide variant.
Coding change: c.498G>C on transcript NM_183050.4 (MANE Select); coding-DNA position 498, G replaced by C.
Protein change: p.Lys166Asn; replaces lysine 166 with asparagine.
Molecular consequence: missense variant. On other transcripts: non-coding transcript variant (1).
Genome position (GRCh38, 1-based): chr6:80,168,895, G>C. VCF-style: chr6-80168895-G-C. GRCh37 (hg19) VCF-style: chr6-80878612-G-C.
Other names: c.498G>C, p.Lys166Asn (NM_000056.5); c.288G>C, p.Lys96Asn (NM_001318975.1); short protein forms K166N, K96N.
Identifiers: ClinVar variation 592981 (VCV000592981.8), dbSNP rs1562104211, ClinGen allele CA364657732.